The following is an entry in ClinVar:

NM_020203.6(MEPE):c.1213G>C (p.Gly405Arg)

Genes: MEPE (matrix extracellular phosphoglycoprotein; plus strand), MEPE-AS1 (MEPE and IBSP antisense RNA 1; minus strand). Cytogenetic location: 4q22.1.
Variant type: single nucleotide variant.
Coding change: c.1213G>C on transcript NM_020203.6 (MANE Select); coding-DNA position 1213, G replaced by C.
Protein change: p.Gly405Arg; replaces glycine 405 with arginine.
Molecular consequence: missense variant.
Genome position (GRCh38, 1-based): chr4:87,846,081, G>C. VCF-style: chr4-87846081-G-C. GRCh37 (hg19) VCF-style: chr4-88767233-G-C.
Other names: c.1213G>C, p.Gly405Arg (NM_001184694.3); c.874G>C, p.Gly292Arg (NM_001184695.4, NM_001184696.2, NM_001184697.2); c.1306G>C, p.Gly436Arg (NM_001291183.2); short protein forms G292R, G405R, G436R.
Identifiers: ClinVar variation 4980816 (VCV004980816.1).

ClinVar aggregate classification (germline): Likely benign (1 of 4 stars; one submission).

Conditions:
MEPE-related disorder. Also called: MEPE-related condition.

Submission:

PreventionGenetics, part of Exact Sciences
Classification: Likely benign for MEPE-related condition. Last evaluated: 2024-11-12. Review status: criteria provided, single submitter. Criteria: ACMG Guidelines, 2015. Collection method: clinical testing. Allele origin: germline.
Comment: This variant is classified as likely benign based on ACMG/AMP sequence variant interpretation guidelines (Richards et al. 2015 PMID: 25741868, with internal and published modifications).